The following is an entry in ClinVar:

ClinVar aggregate classification (germline): Uncertain significance (1 of 4 stars; one submission).

Submission:

Ambry Genetics
Classification: Uncertain significance. Last evaluated: 2025-01-15. Review status: criteria provided, single submitter. Criteria: Ambry Variant Classification Scheme 2023. Collection method: clinical testing. Allele origin: germline.
Comment: The p.I21M variant (also known as c.63C>G), located in coding exon 1 of the MC1R gene, results from a C to G substitution at nucleotide position 63. The isoleucine at codon 21 is replaced by methionine, an amino acid with highly similar properties. This amino acid position is conserved. In addition, this alteration is predicted to be tolerated by in silico analysis. Based on the available evidence, the clinical significance of this variant remains unclear.

NM_002386.4(MC1R):c.63C>G (p.Ile21Met)

Gene: MC1R (melanocortin 1 receptor; plus strand). Cytogenetic location: 16q24.3.
Variant type: single nucleotide variant.
Coding change: c.63C>G on transcript NM_002386.4 (MANE Select); coding-DNA position 63, C replaced by G.
Protein change: p.Ile21Met; replaces isoleucine 21 with methionine.
Molecular consequence: missense variant.
Genome position (GRCh38, 1-based): chr16:89,919,321, C>G. VCF-style: chr16-89919321-C-G. GRCh37 (hg19) VCF-style: chr16-89985729-C-G.
Other names: short protein forms I21M.
Identifiers: ClinVar variation 3871091 (VCV003871091.1).
Genomic context (GRCh38, chr16:89,919,321, plus strand): 5'-GGCTGTGCAGGGATCCCAGAGAAGACTTCTGGGCTCCCTCAACTCCACCCCCACAGCCAT[C>G]CCCCAGCTGGGGCTGGCTGCCAACCAGACAGGAGCCCGGTGCCTGGAGGTGTCCATCTCT-3'
Protein context (NP_002377.4, residues 11-31): LGSLNSTPTA[Ile21Met]PQLGLAANQT